The following is an entry in ClinVar:

ClinVar aggregate classification (germline): Uncertain significance. Review status: criteria provided, single submitter (1 of 4 stars). 2 submissions from 2 submitters: Uncertain significance (1). 1 of the submissions does not count toward it. Last evaluated 2022-05-28.

Conditions:
Familial dysautonomia. Also called: FD; HSAN III. Identifiers: Orphanet 1764, MedGen C0013364, MONDO:0009131, OMIM 223900. Disease mechanism: loss of function.

Allele frequency attached by ClinVar (database versions not stated): ExAC 0.00001; gnomAD 0.00001 and 0.00002; gnomAD exomes 0.00002; TOPMed 0.00003.
gnomAD v4.1: 34 of 1,614,016 alleles (0.0021%); highest among the groups gnomAD compares: Non-Finnish European, 0.0027%; no homozygotes.

Submissions (2):

Labcorp Genetics (formerly Invitae), Labcorp
Classification: Uncertain significance. Last evaluated: 2022-05-28. Review status: criteria provided, single submitter. Criteria: Invitae Variant Classification Sherloc (09022015). Collection method: clinical testing. Allele origin: germline.
Comment: This sequence change replaces arginine, which is basic and polar, with cysteine, which is neutral and slightly polar, at codon 1137 of the ELP1 protein (p.Arg1137Cys). This variant is present in population databases (rs377679012, gnomAD 0.007%). This variant has not been reported in the literature in individuals affected with ELP1-related conditions. ClinVar contains an entry for this variant (Variation ID: 989520). Algorithms developed to predict the effect of missense changes on protein structure and function (SIFT, PolyPhen-2, Align-GVGD) all suggest that this variant is likely to be disruptive. In summary, the available evidence is currently insufficient to determine the role of this variant in disease. Therefore, it has been classified as a Variant of Uncertain Significance.

Natera, Inc.
Classification: Uncertain significance for Familial dysautonomia. Last evaluated: 2020-08-14. Review status: no assertion criteria provided. Collection method: clinical testing. Allele origin: germline. Not counted in ClinVar's aggregate classification.

NM_003640.5(ELP1):c.3409C>T (p.Arg1137Cys)

Gene: ELP1 (elongator acetyltransferase complex subunit 1; minus strand). Cytogenetic location: 9q31.3.
Variant type: single nucleotide variant.
Coding change: c.3409C>T on transcript NM_003640.5 (MANE Select); coding-DNA position 3409, C replaced by T.
Protein change: p.Arg1137Cys; replaces arginine 1137 with cysteine.
Molecular consequence: missense variant.
Genome position (GRCh38, 1-based): chr9:108,880,103, G>A on the plus strand (C>T on the coding strand, the complement: ELP1 is on the minus strand). VCF-style: chr9-108880103-G-A. GRCh37 (hg19) VCF-style: chr9-111642383-G-A.
Other names: c.3067C>T, p.Arg1023Cys (NM_001318360.2); c.2362C>T, p.Arg788Cys (NM_001330749.2); short protein forms R1023C, R1137C, R788C.
Identifiers: ClinVar variation 989520 (VCV000989520.6), dbSNP rs377679012, ClinGen allele CA5174315.